The following is an entry in ClinVar:

NM_001369.3(DNAH5):c.5439_5440insCACATCTGTGATCGTC (p.Thr1814fs)

Gene: DNAH5 (dynein axonemal heavy chain 5; minus strand). Cytogenetic location: 5p15.2.
Variant type: Insertion.
Coding change: c.5439_5440insCACATCTGTGATCGTC on transcript NM_001369.3 (MANE Select); coding-DNA positions 5439 to 5440, CACATCTGTGATCGTC inserted.
Protein change: p.Thr1814fs; shifts the reading frame from threonine 1814.
Molecular consequence: frameshift variant.
Genome position: GRCh38 VCF-style: chr5-13841736-T-TGACGATCACAGATGTG. GRCh37 (hg19) VCF-style: chr5-13841845-T-TGACGATCACAGATGTG.
Other names: short protein forms T1814fs.
Identifiers: ClinVar variation 5015747 (VCV005015747.1).

ClinVar aggregate classification (germline): Pathogenic (1 of 4 stars; one submission).

Conditions:
Primary ciliary dyskinesia 3. Identifiers: Orphanet 244, MedGen C1837618, MONDO:0012085, OMIM 608644.

Submission:

Myriad Genetics, Inc.
Classification: Pathogenic for Primary ciliary dyskinesia 3. Last evaluated: 2024-05-14. Review status: criteria provided, single submitter. Criteria: Myriad Autosomal Dominant, Autosomal Recessive and X-Linked Classification Criteria (2023). Collection method: clinical testing. Allele origin: unknown.
Comment: NM_001369.2(DNAH5):c.5439_5440ins16(T1814Hfs*12) is expected to be pathogenic in the context of primary ciliary dyskinesia, DNAH5-related. This variant is predicted to lead to an abnormal or absent protein product due to the creation of a premature termination codon in DNAH5, a gene where loss-of-function variants are known to be pathogenic. Please note: this variant was assessed in the context of healthy population screening.